The following is an entry in ClinVar:

NM_006231.4(POLE):c.936T>A (p.Ile312=)

Gene: POLE (DNA polymerase epsilon, catalytic subunit; minus strand). Cytogenetic location: 12q24.33.
Variant type: single nucleotide variant.
Coding change: c.936T>A on transcript NM_006231.4 (MANE Select); coding-DNA position 936, T replaced by A.
Protein change: p.Ile312=; no amino-acid change (isoleucine 312 retained).
Molecular consequence: synonymous variant.
Genome position (GRCh38, 1-based): chr12:132,676,178, A>T on the plus strand (T>A on the coding strand, the complement: POLE is on the minus strand). VCF-style: chr12-132676178-A-T. GRCh37 (hg19) VCF-style: chr12-133252764-A-T.
Identifiers: ClinVar variation 1766712 (VCV001766712.3), dbSNP rs1555229316, ClinGen allele CA482723008.
Genomic context (GRCh38, chr12:132,676,178, plus strand): 5'-AAAGGGGCCTTCATATTCTGGCTTGGGGGTGAACTCAAAATCTTCAATATCTTCTGAAAC[A>T]ATCTCCCTGTTGGTGATGAGGTAGCCCTAGCCAAGTTCATTAGCAATCAGCACAAGTCAG-3'
Protein context (NP_006222.2, residues 302-322): GQGYLITNRE[Ile312=]VSEDIEDFEF

ClinVar aggregate classification (germline): Benign/Likely benign. Review status: criteria provided, multiple submitters, no conflicts (2 of 4 stars). 2 submissions from 2 submitters: Benign (1); Likely benign (1). Last evaluated 2025-02-07.

Conditions:
Hereditary cancer-predisposing syndrome. Also called: Hereditary Cancer Syndrome; Hereditary neoplastic syndrome; Neoplastic Syndromes, Hereditary; Tumor predisposition. Identifiers: Orphanet 140162, MedGen C0027672, MeSH D009386, MONDO:0015356.
Colorectal cancer, susceptibility to, 12 (CRCS12). Also called: COLORECTAL CANCER, SUSCEPTIBILITY TO, ON CHROMOSOME 12q24. Identifiers: Orphanet 220460, MedGen C3554460, MONDO:0014038, OMIM 615083.

Submissions (2):

Myriad Genetics, Inc.
Classification: Benign for Colorectal cancer, susceptibility to, 12. Last evaluated: 2025-02-07. Review status: criteria provided, single submitter. Criteria: Myriad Autosomal Dominant, Autosomal Recessive and X-Linked Classification Criteria (2023). Collection method: clinical testing. Allele origin: unknown.
Comment: This variant is considered benign. This variant is a silent/synonymous amino acid change and it is not expected to impact splicing.

Ambry Genetics
Classification: Likely benign for Hereditary cancer-predisposing syndrome. Last evaluated: 2022-04-02. Review status: criteria provided, single submitter. Criteria: Ambry Variant Classification Scheme 2023. Collection method: clinical testing. Allele origin: germline.